The following is an entry in ClinVar:

ClinVar aggregate classification (germline): Uncertain significance. Review status: criteria provided, single submitter (1 of 4 stars). 2 submissions from 2 submitters: Uncertain significance (1). 1 of the submissions does not count toward it. Last evaluated 2026-01-02.

Conditions:
MHC class II deficiency. Also called: Bare lymphocyte syndrome 2; BLS, TYPE II. Identifiers: Orphanet 572, MedGen C5447452, MONDO:0008855.

Allele frequency attached by ClinVar (database versions not stated): TOPMed 0.00002; gnomAD exomes 0.00003 and 0.00008; ExAC 0.00004; gnomAD 0.00007.
gnomAD v4.1: 61 of 1,614,076 alleles (0.0038%); highest among the groups gnomAD compares: Non-Finnish European, 0.00051%; no homozygotes.

Submissions (2):

Labcorp Genetics (formerly Invitae), Labcorp
Classification: Uncertain significance for MHC class II deficiency. Last evaluated: 2026-01-02. Review status: criteria provided, single submitter. Criteria: Invitae Variant Classification Sherloc (09022015). Collection method: clinical testing. Allele origin: germline.
Comment: This sequence change replaces phenylalanine, which is neutral and non-polar, with leucine, which is neutral and non-polar, at codon 920 of the CIITA protein (p.Phe920Leu). This variant is present in population databases (rs570003993, gnomAD 0.1%). This variant has not been reported in the literature in individuals affected with CIITA-related conditions. ClinVar contains an entry for this variant (Variation ID: 662433). An algorithm developed to predict the effect of missense changes on protein structure and function (PolyPhen-2) suggests that this variant is likely to be disruptive. In summary, the available evidence is currently insufficient to determine the role of this variant in disease. Therefore, it has been classified as a Variant of Uncertain Significance.

Natera, Inc.
Classification: Uncertain significance for Bare lymphocyte syndrome type II. Last evaluated: 2020-04-24. Review status: no assertion criteria provided. Collection method: clinical testing. Allele origin: germline. Not counted in ClinVar's aggregate classification.

NM_000246.4(CIITA):c.2758T>C (p.Phe920Leu)

Gene: CIITA (class II major histocompatibility complex transactivator; plus strand). Cytogenetic location: 16p13.13.
Variant type: single nucleotide variant.
Coding change: c.2758T>C on transcript NM_000246.4 (MANE Select); coding-DNA position 2758, T replaced by C.
Protein change: p.Phe920Leu; replaces phenylalanine 920 with leucine.
Molecular consequence: missense variant.
Genome position (GRCh38, 1-based): chr16:10,909,129, T>C. VCF-style: chr16-10909129-T-C. GRCh37 (hg19) VCF-style: chr16-11002986-T-C.
Other names: c.2761T>C, p.Phe921Leu (NM_001286402.1, NM_001379332.1); c.1006T>C, p.Phe336Leu (NM_001286403.2); c.2614T>C, p.Phe872Leu (NM_001379330.1); c.2611T>C, p.Phe871Leu (NM_001379331.1); c.2758T>C, p.Phe920Leu (NM_001379333.1); c.2689T>C, p.Phe897Leu (NM_001379334.1); short protein forms F921L, F336L, F920L, F871L, F872L, F897L.
Identifiers: ClinVar variation 662433 (VCV000662433.5), dbSNP rs570003993, ClinGen allele CA7900485.
Genomic context (GRCh38, chr16:10,909,129, plus strand): 5'-CAGCAGCATGGGGAGACCAAGCTACTTCAGGCAGCAGAGGAGAAGTTCACCATCGAGCCT[T>C]TCAAAGCCAAGTCCCTGAAGGATGTGGAAGACCTGGGAAAGCTTGTGCAGACTCAGAGGT-3'
Protein context (NP_000237.2, residues 910-930): AAEEKFTIEP[Phe920Leu]KAKSLKDVED